The following is an entry in ClinVar:

ClinVar aggregate classification (germline): Likely benign (1 of 4 stars; one submission).

Conditions:
GP1BA-related disorder. Also called: GP1BA-related condition.

gnomAD v4.1: 35 of 1,613,882 alleles (0.0022%); highest among the groups gnomAD compares: Middle Eastern, 0.066%; no homozygotes.

Submission:

PreventionGenetics, part of Exact Sciences
Classification: Likely benign for GP1BA-related condition. Last evaluated: 2025-07-15. Review status: criteria provided, single submitter. Criteria: ACMG Guidelines, 2015. Collection method: clinical testing. Allele origin: germline.
Comment: This variant is classified as likely benign based on ACMG/AMP sequence variant interpretation guidelines (Richards et al. 2015 PMID: 25741868, with internal and published modifications).

NM_000173.7(GP1BA):c.711G>A (p.Gln237=)

Gene: GP1BA (glycoprotein Ib platelet subunit alpha; plus strand). Cytogenetic location: 17p13.2.
Variant type: single nucleotide variant.
Coding change: c.711G>A on transcript NM_000173.7 (MANE Select); coding-DNA position 711, G replaced by A.
Protein change: p.Gln237=; no amino-acid change (glutamine 237 retained).
Molecular consequence: synonymous variant.
Genome position (GRCh38, 1-based): chr17:4,933,315, G>A. VCF-style: chr17-4933315-G-A. GRCh37 (hg19) VCF-style: chr17-4836610-G-A.
Identifiers: ClinVar variation 4980302 (VCV004980302.1).